The following is an entry in ClinVar:

ClinVar aggregate classification (germline): Conflicting classifications of pathogenicity. Review status: criteria provided, conflicting classifications (1 of 4 stars). 2 submissions from 2 submitters: Uncertain significance (1); Likely benign (1). Last evaluated 2025-09-16.

Conditions:
Dyskeratosis congenita, autosomal dominant 2. Identifiers: MedGen C3151443, MONDO:0013521, OMIM 613989.
Idiopathic Pulmonary Fibrosis. Also called: Idiopathic fibrosing alveolitis, chronic form; idiopathic fibrosing alveolitis. Identifiers: Orphanet 2032, MedGen C1800706, MeSH D054990, MONDO:0800504.
Dyskeratosis congenita. Identifiers: Orphanet 1775, MedGen C0265965, MONDO:0015780.

Allele frequency attached by ClinVar (database versions not stated): gnomAD exomes below 0.00001.
gnomAD v4.1: 4 of 1,613,290 alleles (0.00025%); highest among the groups gnomAD compares: East Asian, 0.0067%; no homozygotes.

Submissions (2):

Ambry Genetics
Classification: Uncertain significance for Dyskeratosis congenita. Last evaluated: 2025-09-16. Review status: criteria provided, single submitter. Criteria: Ambry Variant Classification Scheme 2023. Collection method: clinical testing. Allele origin: germline.
Comment: The p.R595K variant (also known as c.1784G>A), located in coding exon 4 of the TERT gene, results from a G to A substitution at nucleotide position 1784. The arginine at codon 595 is replaced by lysine, an amino acid with highly similar properties. This amino acid position is not well conserved in available vertebrate species. In addition, this alteration is predicted to be tolerated by in silico analysis. Based on the available evidence, the clinical significance of this variant remains unclear.

Labcorp Genetics (formerly Invitae), Labcorp
Classification: Likely benign for Dyskeratosis congenita, autosomal dominant 2; Idiopathic Pulmonary Fibrosis. Last evaluated: 2022-04-18. Review status: criteria provided, single submitter. Criteria: Invitae Variant Classification Sherloc (09022015). Collection method: clinical testing. Allele origin: germline.

NM_198253.3(TERT):c.1784G>A (p.Arg595Lys)

Gene: TERT (telomerase reverse transcriptase; minus strand). Cytogenetic location: 5p15.33.
Variant type: single nucleotide variant.
Coding change: c.1784G>A on transcript NM_198253.3 (MANE Select); coding-DNA position 1784, G replaced by A.
Protein change: p.Arg595Lys; replaces arginine 595 with lysine.
Molecular consequence: missense variant. On other transcripts: non-coding transcript variant (2).
Genome position (GRCh38, 1-based): chr5:1,280,324, C>T on the plus strand (G>A on the coding strand, the complement: TERT is on the minus strand). VCF-style: chr5-1280324-C-T. GRCh37 (hg19) VCF-style: chr5-1280439-C-T.
Other names: c.1784G>A, p.Arg595Lys (NM_001193376.3, NM_003219.1); short protein forms R595K.
Identifiers: ClinVar variation 2163332 (VCV002163332.5), dbSNP rs1388629976, ClinGen allele CA359082100.
Genomic context (GRCh38, chr5:1,280,324, plus strand): 5'-GCGGGCCTGGCTTCCCGATGCTGCCTGACCTCTGCTTCCGACAGCTCCCGCAGCTGCACC[C>T]TCTTCAAGTGCTGTCTGCAATAGAGAGCCCCTCAGGAGGCTTGCTCAGCCAGACAACAGA-3'
Protein context (NP_937983.2, residues 585-605): QSIGIRQHLK[Arg595Lys]VQLRELSEAE